The following is an entry in ClinVar:

ClinVar aggregate classification (germline): Likely benign. Review status: criteria provided, multiple submitters, no conflicts (2 of 4 stars). 2 submissions from 2 submitters: Likely benign (2). Last evaluated 2025-09-05.

Conditions:
Marfan syndrome (MFS). Also called: MARFAN SYNDROME, TYPE I; Marfan syndrome type 1; Marfan's syndrome; Marfan syndrome, classic; FBN1-Related Marfan Syndrome. Identifiers: Orphanet 284963, Orphanet 558, MedGen C0024796, MONDO:0007947, OMIM 154700.
Familial thoracic aortic aneurysm and aortic dissection (TAAD). Also called: Thoracic aortic aneurysms and dissections. Identifiers: Orphanet 91387, MedGen C4707243, MONDO:0019625.

Allele frequency attached by ClinVar (database versions not stated): gnomAD exomes below 0.00001; TOPMed below 0.00001; gnomAD 0.00001.
gnomAD v4.1: 2 of 1,609,154 alleles (0.00012%); highest among the groups gnomAD compares: Non-Finnish European, 0.00017%; no homozygotes.

Submissions (2):

Labcorp Genetics (formerly Invitae), Labcorp
Classification: Likely benign for Marfan syndrome; Familial thoracic aortic aneurysm and aortic dissection. Last evaluated: 2025-09-05. Review status: criteria provided, single submitter. Criteria: Invitae Variant Classification Sherloc (09022015). Collection method: clinical testing. Allele origin: germline.

All of Us Research Program, National Institutes of Health
Classification: Likely benign for Marfan syndrome. Last evaluated: 2023-11-20. Review status: criteria provided, single submitter. Criteria: ACMG Guidelines, 2015. Collection method: clinical testing. Allele origin: germline. Inheritance: Autosomal dominant inheritance. Observed: 1 variant allele, 1 heterozygote.
Comment: This study involves interpretation of variants in research participants for the purpose of population health screening. Participant phenotype was not available at the time of variant classification. Additional details can be found in publication PMID: 35346344, PMCID: PMC8962531

NM_000138.5(FBN1):c.7820-10T>C

Gene: FBN1 (fibrillin 1; minus strand). Cytogenetic location: 15q21.1.
Variant type: single nucleotide variant.
Coding change: c.7820-10T>C on transcript NM_000138.5 (MANE Select); 10 bases into the intron before coding-DNA position 7820, T replaced by C.
Molecular consequence: intron variant.
Genome position (GRCh38, 1-based): chr15:48,415,777, A>G on the plus strand (T>C on the coding strand, the complement: FBN1 is on the minus strand). VCF-style: chr15-48415777-A-G. GRCh37 (hg19) VCF-style: chr15-48707974-A-G.
Other names: c.7820-10T>C (NM_001406716.1).
Identifiers: ClinVar variation 3074604 (VCV003074604.2), dbSNP rs1472893191, ClinGen allele CA713382979.